The following is an entry in ClinVar:

NM_001206927.2(DNAH8):c.5789G>A (p.Arg1930His)

Gene: DNAH8 (dynein axonemal heavy chain 8; plus strand). Cytogenetic location: 6p21.2.
Variant type: single nucleotide variant.
Coding change: c.5789G>A on transcript NM_001206927.2 (MANE Select); coding-DNA position 5789, G replaced by A.
Protein change: p.Arg1930His; replaces arginine 1930 with histidine.
Molecular consequence: missense variant.
Genome position (GRCh38, 1-based): chr6:38,857,573, G>A. VCF-style: chr6-38857573-G-A. GRCh37 (hg19) VCF-style: chr6-38825349-G-A.
Other names: c.5138G>A, p.Arg1713His (NM_001371.4); short protein forms R1713H, R1930H.
Identifiers: ClinVar variation 663218 (VCV000663218.6), dbSNP rs758923038, ClinGen allele CA3789483.

ClinVar aggregate classification (germline): Uncertain significance (1 of 4 stars; one submission).

Conditions:
Primary ciliary dyskinesia. Also called: Ciliary dyskinesia. Identifiers: Orphanet 244, MedGen C0008780, MONDO:0016575, HP:0012265.

Allele frequency attached by ClinVar (database versions not stated): TOPMed 0.00001; gnomAD 0.00004.
gnomAD v4.1: 90 of 1,613,810 alleles (0.0056%); highest among the groups gnomAD compares: Middle Eastern, 0.016%; 1 homozygote.

Submission:

Labcorp Genetics (formerly Invitae), Labcorp
Classification: Uncertain significance for Primary ciliary dyskinesia. Last evaluated: 2022-08-09. Review status: criteria provided, single submitter. Criteria: Invitae Variant Classification Sherloc (09022015). Collection method: clinical testing. Allele origin: germline.
Comment: This sequence change replaces arginine, which is basic and polar, with histidine, which is basic and polar, at codon 1930 of the DNAH8 protein (p.Arg1930His). This variant is present in population databases (rs758923038, gnomAD 0.006%). This variant has not been reported in the literature in individuals affected with DNAH8-related conditions. ClinVar contains an entry for this variant (Variation ID: 663218). Algorithms developed to predict the effect of missense changes on protein structure and function are either unavailable or do not agree on the potential impact of this missense change (SIFT: "Tolerated"; PolyPhen-2: "Not Available"; Align-GVGD: "Class C0"). In summary, the available evidence is currently insufficient to determine the role of this variant in disease. Therefore, it has been classified as a Variant of Uncertain Significance.